The following is an entry in ClinVar:

NM_002900.3(RBP3):c.2252T>C (p.Met751Thr)

Gene: RBP3 (retinol binding protein 3; plus strand). Cytogenetic location: 10q11.22.
Variant type: single nucleotide variant.
Coding change: c.2252T>C on transcript NM_002900.3 (MANE Select); coding-DNA position 2252, T replaced by C.
Protein change: p.Met751Thr; replaces methionine 751 with threonine.
Molecular consequence: missense variant.
Genome position (GRCh38, 1-based): chr10:47,350,736, T>C. VCF-style: chr10-47350736-T-C. GRCh37 (hg19) VCF-style: chr10-48388626-A-G.
Other names: short protein forms M751T.
Identifiers: ClinVar variation 1361936 (VCV001361936.6), dbSNP rs781801875, ClinGen allele CA5487324.

ClinVar aggregate classification (germline): Uncertain significance (1 of 4 stars; one submission).

Allele frequency attached by ClinVar (database versions not stated): gnomAD exomes 0.00001 and 0.00002; TOPMed 0.00001; ExAC 0.00002.
gnomAD v4.1: 5 of 1,613,208 alleles (0.00031%); highest among the groups gnomAD compares: Admixed American, 0.0067%; no homozygotes.

Submission:

Labcorp Genetics (formerly Invitae), Labcorp
Classification: Uncertain significance. Last evaluated: 2022-08-23. Review status: criteria provided, single submitter. Criteria: Invitae Variant Classification Sherloc (09022015). Collection method: clinical testing. Allele origin: germline.
Comment: This sequence change replaces methionine, which is neutral and non-polar, with threonine, which is neutral and polar, at codon 751 of the RBP3 protein (p.Met751Thr). This variant is present in population databases (rs781801875, gnomAD 0.01%). This variant has not been reported in the literature in individuals affected with RBP3-related conditions. ClinVar contains an entry for this variant (Variation ID: 1361936). In summary, the available evidence is currently insufficient to determine the role of this variant in disease. Therefore, it has been classified as a Variant of Uncertain Significance. Algorithms developed to predict the effect of missense changes on protein structure and function are either unavailable or do not agree on the potential impact of this missense change (SIFT: "Deleterious"; PolyPhen-2: "Benign"; Align-GVGD: "Class C0").